The following is an entry in ClinVar:

NM_012463.4(ATP6V0A2):c.433-170A>G

Gene: ATP6V0A2 (ATPase H+ transporting V0 subunit a2; plus strand). Cytogenetic location: 12q24.31.
Variant type: single nucleotide variant.
Coding change: c.433-170A>G on transcript NM_012463.4 (MANE Select); 170 bases into the intron before coding-DNA position 433, A replaced by G.
Molecular consequence: intron variant.
Genome position (GRCh38, 1-based): chr12:123,726,027, A>G. VCF-style: chr12-123726027-A-G. GRCh37 (hg19) VCF-style: chr12-124210574-A-G.
Identifiers: ClinVar variation 678919 (VCV000678919.1), dbSNP rs76993617, ClinGen allele CA245187175.

ClinVar aggregate classification (germline): Benign (1 of 4 stars; one submission).

Allele frequency attached by ClinVar (database versions not stated): gnomAD 0.01546 and 0.01664; 1000 Genomes Project 0.01597; 1000 Genomes Project 30x 0.01671; TOPMed 0.01761.
gnomAD v4.1: 2,323 of 152,284 alleles (1.5%); highest among the groups gnomAD compares: African/African-American, 5.4%; 49 homozygotes.

Submission:

GeneDx
Classification: Benign. Last evaluated: 2018-06-14. Review status: criteria provided, single submitter. Criteria: GeneDx Variant Classification (06012015). Collection method: clinical testing. Allele origin: germline. Affected: yes.
Comment: This variant is considered likely benign or benign based on one or more of the following criteria: it is a conservative change, it occurs at a poorly conserved position in the protein, it is predicted to be benign by multiple in silico algorithms, and/or has population frequency not consistent with disease.